The following is an entry in ClinVar:

NM_181426.2(CCDC39):c.2485C>T (p.Arg829Cys)

Genes: TTC14 (tetratricopeptide repeat domain 14; plus strand), CCDC39 (coiled-coil domain 39 molecular ruler complex subunit; minus strand). Cytogenetic location: 3q26.33.
Variant type: single nucleotide variant.
Coding change: c.2485C>T on transcript NM_181426.2 (MANE Select); coding-DNA position 2485, C replaced by T.
Protein change: p.Arg829Cys; replaces arginine 829 with cysteine.
Molecular consequence: missense variant. On other transcripts: intron variant (1).
Genome position (GRCh38, 1-based): chr3:180,616,617, G>A on the plus strand (C>T on the coding strand, the complement: CCDC39 is on the minus strand). VCF-style: chr3-180616617-G-A. GRCh37 (hg19) VCF-style: chr3-180334405-G-A.
Other names: p.Arg829Cys; c.1775-763G>A (NM_001288582.2); short protein forms R829C.
Identifiers: ClinVar variation 663046 (VCV000663046.13), dbSNP rs781020567, ClinGen allele CA2715658.
Genomic context (GRCh38, chr3:180,616,617, plus strand): 5'-TTTCTTCTATGATATCAACTAACATTTCATCAATAACTTTGTGAAACTGTTTCATTTCAC[G>A]AAGTTTGATGTCTTGTTCTTCCATTGTTTCATCTTTTGTGTCTTTCAAAAGACGGATTTC-3'
Protein context (NP_852091.1, residues 819-839): ETMEEQDIKL[Arg829Cys]EMKQFHKVID

ClinVar aggregate classification (germline): Uncertain significance. Review status: criteria provided, multiple submitters, no conflicts (2 of 4 stars). 4 submissions from 4 submitters: Uncertain significance (4). Last evaluated 2025-07-12.

Conditions:
Primary ciliary dyskinesia. Also called: Ciliary dyskinesia. Identifiers: Orphanet 244, MedGen C0008780, MONDO:0016575, HP:0012265.
Primary ciliary dyskinesia 14. Also called: CILIARY DYSKINESIA, PRIMARY, 14, WITH OR WITHOUT SITUS INVERSUS. Identifiers: Orphanet 244, MedGen C3151136, MONDO:0013434, OMIM 613807.

Allele frequency attached by ClinVar (database versions not stated): TOPMed 0.00003; ExAC 0.00010; gnomAD 0.00002.
gnomAD v4.1: 90 of 1,594,166 alleles (0.0056%); highest among the groups gnomAD compares: Non-Finnish European, 0.0071%; no homozygotes.

Submissions (4):

Ambry Genetics
Classification: Uncertain significance for Primary ciliary dyskinesia. Last evaluated: 2025-07-12. Review status: criteria provided, single submitter. Criteria: Ambry Variant Classification Scheme 2023. Collection method: clinical testing. Allele origin: germline.

Mayo Clinic Laboratories, Mayo Clinic
Classification: Uncertain significance. Last evaluated: 2024-09-09. Review status: criteria provided, single submitter. Criteria: ACMG Guidelines, 2015. Collection method: clinical testing. Allele origin: germline. Observed: 1 variant allele.

Fulgent Genetics
Classification: Uncertain significance for Primary ciliary dyskinesia 14. Last evaluated: 2021-08-30. Review status: criteria provided, single submitter. Criteria: ACMG Guidelines, 2015. Collection method: clinical testing. Allele origin: unknown.

Labcorp Genetics (formerly Invitae), Labcorp
Classification: Uncertain significance for Primary ciliary dyskinesia. Last evaluated: 2021-08-28. Review status: criteria provided, single submitter. Criteria: Invitae Variant Classification Sherloc (09022015). Collection method: clinical testing. Allele origin: germline.
Comment: This sequence change replaces arginine with cysteine at codon 829 of the CCDC39 protein (p.Arg829Cys). The arginine residue is moderately conserved and there is a large physicochemical difference between arginine and cysteine. This variant is present in population databases (rs781020567, ExAC 0.02%). This variant has not been reported in the literature in individuals affected with CCDC39-related conditions. Algorithms developed to predict the effect of missense changes on protein structure and function are either unavailable or do not agree on the potential impact of this missense change (SIFT: "Deleterious"; PolyPhen-2: "Probably Damaging"; Align-GVGD: "Class C0"). In summary, the available evidence is currently insufficient to determine the role of this variant in disease. Therefore, it has been classified as a Variant of Uncertain Significance.